The following is an entry in ClinVar:

NM_000321.3(RB1):c.1542C>A (p.Phe514Leu)

Gene: RB1 (RB transcriptional corepressor 1; plus strand). Cytogenetic location: 13q14.2.
Variant type: single nucleotide variant.
Coding change: c.1542C>A on transcript NM_000321.3 (MANE Select); coding-DNA position 1542, C replaced by A.
Protein change: p.Phe514Leu; replaces phenylalanine 514 with leucine.
Molecular consequence: missense variant.
Genome position (GRCh38, 1-based): chr13:48,381,290, C>A. VCF-style: chr13-48381290-C-A. GRCh37 (hg19) VCF-style: chr13-48955426-C-A.
Other names: c.1542C>A, p.Phe514Leu (NM_001407165.1, NM_001407166.1); short protein forms F514L.
Identifiers: ClinVar variation 3943333 (VCV003943333.1).

ClinVar aggregate classification (germline): Uncertain significance (1 of 4 stars; one submission).

Conditions:
Hereditary cancer-predisposing syndrome. Also called: Tumor predisposition; Hereditary neoplastic syndrome; Hereditary Cancer Syndrome; Neoplastic Syndromes, Hereditary. Identifiers: Orphanet 140162, MedGen C0027672, MeSH D009386, MONDO:0015356.

Submission:

Ambry Genetics
Classification: Uncertain significance for Hereditary cancer-predisposing syndrome. Last evaluated: 2025-04-30. Review status: criteria provided, single submitter. Criteria: Ambry Variant Classification Scheme 2023. Collection method: clinical testing. Allele origin: germline.
Comment: The p.F514L variant (also known as c.1542C>A), located in coding exon 17 of the RB1 gene, results from a C to A substitution at nucleotide position 1542. The phenylalanine at codon 514 is replaced by leucine, an amino acid with highly similar properties. This amino acid position is highly conserved in available vertebrate species. In addition, this alteration is predicted to be deleterious by in silico analysis. Based on the available evidence, the clinical significance of this variant remains unclear.